The following is an entry in ClinVar:

NM_020822.3(KCNT1):c.2944-75C>T

Gene: KCNT1 (potassium sodium-activated channel subfamily T member 1; plus strand). Cytogenetic location: 9q34.3.
Variant type: single nucleotide variant.
Coding change: c.2944-75C>T on transcript NM_020822.3 (MANE Select); 75 bases into the intron before coding-DNA position 2944, C replaced by T.
Molecular consequence: intron variant.
Genome position (GRCh38, 1-based): chr9:135,784,460, C>T. VCF-style: chr9-135784460-C-T. GRCh37 (hg19) VCF-style: chr9-138676306-C-T.
Other names: c.2809-75C>T (NM_001272003.2).
Identifiers: ClinVar variation 677578 (VCV000677578.1), dbSNP rs192706978, ClinGen allele CA201483630.

ClinVar aggregate classification (germline): Likely benign (1 of 4 stars; one submission).

Allele frequency attached by ClinVar (database versions not stated): 1000 Genomes Project 0.00359; 1000 Genomes Project 30x 0.00468; gnomAD exomes 0.00590; TOPMed 0.00744; gnomAD 0.00812 and 0.00828.
gnomAD v4.1: 6,744 of 1,089,060 alleles (0.62%); highest among the groups gnomAD compares: Admixed American, 0.72%; 60 homozygotes.

Submission:

GeneDx
Classification: Likely benign. Last evaluated: 2018-06-14. Review status: criteria provided, single submitter. Criteria: GeneDx Variant Classification (06012015). Collection method: clinical testing. Allele origin: germline. Affected: yes.
Comment: This variant is considered likely benign or benign based on one or more of the following criteria: it is a conservative change, it occurs at a poorly conserved position in the protein, it is predicted to be benign by multiple in silico algorithms, and/or has population frequency not consistent with disease.